The following is an entry in ClinVar:

ClinVar aggregate classification (germline): Uncertain significance. Review status: criteria provided, multiple submitters, no conflicts (2 of 4 stars). 2 submissions from 2 submitters: Uncertain significance (2). Last evaluated 2024-10-19.

Conditions:
Hypertrophic cardiomyopathy. Also called: HYPERTROPHIC MYOCARDIOPATHY. Identifiers: Orphanet 217569, MedGen C0007194, MeSH D002312, MONDO:0005045, HP:0001639.
Cardiovascular phenotype. Identifiers: MedGen CN230736.

Submissions (2):

Ambry Genetics
Classification: Uncertain significance for Cardiovascular phenotype. Last evaluated: 2024-10-19. Review status: criteria provided, single submitter. Criteria: Ambry Variant Classification Scheme 2023. Collection method: clinical testing. Allele origin: germline.
Comment: The p.V155A variant (also known as c.464T>C), located in coding exon 2 of the JPH2 gene, results from a T to C substitution at nucleotide position 464. The valine at codon 155 is replaced by alanine, an amino acid with similar properties. This amino acid position is highly conserved in available vertebrate species. In addition, the in silico prediction for this alteration is inconclusive. Since supporting evidence is limited at this time, the clinical significance of this alteration remains unclear.

Labcorp Genetics (formerly Invitae), Labcorp
Classification: Uncertain significance for Hypertrophic cardiomyopathy. Last evaluated: 2022-07-25. Review status: criteria provided, single submitter. Criteria: Invitae Variant Classification Sherloc (09022015). Collection method: clinical testing. Allele origin: germline.
Comment: This sequence change replaces valine, which is neutral and non-polar, with alanine, which is neutral and non-polar, at codon 155 of the JPH2 protein (p.Val155Ala). This variant is not present in population databases (gnomAD no frequency). This variant has not been reported in the literature in individuals affected with JPH2-related conditions. ClinVar contains an entry for this variant (Variation ID: 1490368). Algorithms developed to predict the effect of missense changes on protein structure and function are either unavailable or do not agree on the potential impact of this missense change (SIFT: "Tolerated"; PolyPhen-2: "Probably Damaging"; Align-GVGD: "Class C0"). In summary, the available evidence is currently insufficient to determine the role of this variant in disease. Therefore, it has been classified as a Variant of Uncertain Significance.

NM_020433.5(JPH2):c.464T>C (p.Val155Ala)

Gene: JPH2 (junctophilin 2; minus strand). Cytogenetic location: 20q13.12.
Variant type: single nucleotide variant.
Coding change: c.464T>C on transcript NM_020433.5 (MANE Select); coding-DNA position 464, T replaced by C.
Protein change: p.Val155Ala; replaces valine 155 with alanine.
Molecular consequence: missense variant.
Genome position (GRCh38, 1-based): chr20:44,160,323, A>G on the plus strand (T>C on the coding strand, the complement: JPH2 is on the minus strand). VCF-style: chr20-44160323-A-G. GRCh37 (hg19) VCF-style: chr20-42788963-A-G.
Other names: short protein forms V155A.
Identifiers: ClinVar variation 1490368 (VCV001490368.11), dbSNP rs2072601326, ClinGen allele CA409094326.